The following is an entry in ClinVar:

NM_001042472.3(ABHD12):c.933A>C (p.Lys311Asn)

Gene: ABHD12 (abhydrolase domain containing 12, lysophospholipase; minus strand). Cytogenetic location: 20p11.21.
Variant type: single nucleotide variant.
Coding change: c.933A>C on transcript NM_001042472.3 (MANE Select); coding-DNA position 933, A replaced by C.
Protein change: p.Lys311Asn; replaces lysine 311 with asparagine.
Molecular consequence: missense variant.
Genome position (GRCh38, 1-based): chr20:25,306,850, T>G on the plus strand (A>C on the coding strand, the complement: ABHD12 is on the minus strand). VCF-style: chr20-25306850-T-G. GRCh37 (hg19) VCF-style: chr20-25287486-T-G.
Other names: c.933A>C, p.Lys311Asn (NM_015600.5); short protein forms K311N.
Identifiers: ClinVar variation 1975614 (VCV001975614.5), dbSNP rs2515763334, ClinGen allele CA408455611.
Genomic context (GRCh38, chr20:25,306,850, plus strand): 5'-TTTTTCTAAATAGGAAAATTAGTTCCTGTCCCATAATACTCACTTTTCATCATTTGCAAA[T>G]TTAATTCCACTACTTGTAATAGGATCAAGGAAGAACCAGTCAAACCCAGGGAAGTATCGA-3'
Protein context (NP_001035937.1, residues 301-321): FLDPITSSGI[Lys311Asn]FANDENVKHI

ClinVar aggregate classification (germline): Uncertain significance (1 of 4 stars; one submission).

Submission:

Labcorp Genetics (formerly Invitae), Labcorp
Classification: Uncertain significance. Last evaluated: 2023-08-24. Review status: criteria provided, single submitter. Criteria: Invitae Variant Classification Sherloc (09022015). Collection method: clinical testing. Allele origin: germline.
Comment: In summary, the available evidence is currently insufficient to determine the role of this variant in disease. Therefore, it has been classified as a Variant of Uncertain Significance. Advanced modeling of protein sequence and biophysical properties (such as structural, functional, and spatial information, amino acid conservation, physicochemical variation, residue mobility, and thermodynamic stability) performed at Invitae indicates that this missense variant is not expected to disrupt ABHD12 protein function. ClinVar contains an entry for this variant (Variation ID: 1975614). This variant has not been reported in the literature in individuals affected with ABHD12-related conditions. This variant is not present in population databases (gnomAD no frequency). This sequence change replaces lysine, which is basic and polar, with asparagine, which is neutral and polar, at codon 311 of the ABHD12 protein (p.Lys311Asn).